The following is an entry in ClinVar:

ClinVar aggregate classification (germline): Likely benign. Review status: criteria provided, single submitter (1 of 4 stars). 2 submissions from 2 submitters: Likely benign (1). 1 of the submissions does not count toward it. Last evaluated 2026-01-11.

Conditions:
FREM2-related disorder. Also called: FREM2-related condition.

Allele frequency attached by ClinVar (database versions not stated): gnomAD 0.00001; ExAC 0.00002; gnomAD exomes 0.00003.
gnomAD v4.1: 17 of 1,614,106 alleles (0.0011%); highest among the groups gnomAD compares: Middle Eastern, 0.033%; no homozygotes.

Submissions (2):

Labcorp Genetics (formerly Invitae), Labcorp
Classification: Likely benign. Last evaluated: 2026-01-11. Review status: criteria provided, single submitter. Criteria: Invitae Variant Classification Sherloc (09022015). Collection method: clinical testing. Allele origin: germline.

PreventionGenetics, part of Exact Sciences
Classification: Likely benign for FREM2-related condition. Last evaluated: 2019-02-27. Review status: no assertion criteria provided. Collection method: clinical testing. Allele origin: germline. Not counted in ClinVar's aggregate classification.
Comment: This variant is classified as likely benign based on ACMG/AMP sequence variant interpretation guidelines (Richards et al. 2015 PMID: 25741868, with internal and published modifications).

NM_207361.6(FREM2):c.4674C>T (p.Val1558=)

Gene: FREM2 (FRAS1 related extracellular matrix 2; plus strand). Cytogenetic location: 13q13.3.
Variant type: single nucleotide variant.
Coding change: c.4674C>T on transcript NM_207361.6 (MANE Select); coding-DNA position 4674, C replaced by T.
Protein change: p.Val1558=; no amino-acid change (valine 1558 retained).
Molecular consequence: synonymous variant.
Genome position (GRCh38, 1-based): chr13:38,692,018, C>T. VCF-style: chr13-38692018-C-T. GRCh37 (hg19) VCF-style: chr13-39266155-C-T.
Identifiers: ClinVar variation 747290 (VCV000747290.8), dbSNP rs769015024, ClinGen allele CA6955047.